The following is an entry in ClinVar:

ClinVar aggregate classification (germline): Likely benign. Review status: criteria provided, multiple submitters, no conflicts (2 of 4 stars). 2 submissions from 2 submitters: Likely benign (2). Last evaluated 2025-04-17.

Conditions:
CYP7A1-related disorder. Also called: CYP7A1-related condition.

Allele frequency attached by ClinVar (database versions not stated): gnomAD exomes 0.00001 and 0.00004.
gnomAD v4.1: 19 of 1,613,968 alleles (0.0012%); highest among the groups gnomAD compares: East Asian, 0.0067%; no homozygotes.

Submissions (2):

Labcorp Genetics (formerly Invitae), Labcorp
Classification: Likely benign. Last evaluated: 2025-04-17. Review status: criteria provided, single submitter. Criteria: Invitae Variant Classification Sherloc (09022015). Collection method: clinical testing. Allele origin: germline.

PreventionGenetics, part of Exact Sciences
Classification: Likely benign for CYP7A1-related condition. Last evaluated: 2025-02-05. Review status: criteria provided, single submitter. Criteria: ACMG Guidelines, 2015. Collection method: clinical testing. Allele origin: germline.
Comment: This variant is classified as likely benign based on ACMG/AMP sequence variant interpretation guidelines (Richards et al. 2015 PMID: 25741868, with internal and published modifications).

NM_000780.4(CYP7A1):c.87G>A (p.Thr29=)

Genes: CYP7A1 (cytochrome P450 family 7 subfamily A member 1; minus strand), LOC110596866 (CYP7A1 5' regulatory region; plus strand). Cytogenetic location: 8q12.1.
Variant type: single nucleotide variant.
Coding change: c.87G>A on transcript NM_000780.4 (MANE Select); coding-DNA position 87, G replaced by A.
Protein change: p.Thr29=; no amino-acid change (threonine 29 retained).
Molecular consequence: synonymous variant.
Genome position (GRCh38, 1-based): chr8:58,498,463, C>T on the plus strand (G>A on the coding strand, the complement: CYP7A1 is on the minus strand). VCF-style: chr8-58498463-C-T. GRCh37 (hg19) VCF-style: chr8-59411022-C-T.
Other names: c.87G>A (NM_000780.3).
Identifiers: ClinVar variation 1627992 (VCV001627992.9), dbSNP rs750668958, ClinGen allele CA4756879.
Genomic context (GRCh38, chr8:58,498,463, plus strand): 5'-ACCAAATTGCAGAGCACAGCCCAGGTATGGAATTAATCCATTCTCTAGAGGTGGTTCACC[C>T]GTTTGCCTGTCAGACACAAGTGTATGATAGACATGGATGATTACAGTTTTGGGTTTTTAC-3'
Protein context (NP_000771.2, residues 19-39): WLILGIRRRQ[Thr29=]GEPPLENGLI